The following is an entry in ClinVar:

NM_001379500.1(COL18A1):c.2531C>G (p.Pro844Arg)

Gene: COL18A1 (collagen type XVIII alpha 1 chain; plus strand). Cytogenetic location: 21q22.3.
Variant type: single nucleotide variant.
Coding change: c.2531C>G on transcript NM_001379500.1 (MANE Select); coding-DNA position 2531, C replaced by G.
Protein change: p.Pro844Arg; replaces proline 844 with arginine.
Molecular consequence: missense variant.
Genome position (GRCh38, 1-based): chr21:45,496,522, C>G. VCF-style: chr21-45496522-C-G. GRCh37 (hg19) VCF-style: chr21-46916436-C-G.
Other names: c.3071C>G, p.Pro1024Arg (NM_030582.4); c.3776C>G, p.Pro1259Arg (NM_130444.3); short protein forms P1259R, P844R, P1024R.
Identifiers: ClinVar variation 1470573 (VCV001470573.6), dbSNP rs754192713, ClinGen allele CA410497940.

ClinVar aggregate classification (germline): Uncertain significance (1 of 4 stars; one submission).

Submission:

Labcorp Genetics (formerly Invitae), Labcorp
Classification: Uncertain significance. Last evaluated: 2022-09-01. Review status: criteria provided, single submitter. Criteria: Invitae Variant Classification Sherloc (09022015). Collection method: clinical testing. Allele origin: germline.
Comment: This variant has not been reported in the literature in individuals affected with COL18A1-related conditions. In summary, the available evidence is currently insufficient to determine the role of this variant in disease. Therefore, it has been classified as a Variant of Uncertain Significance. Experimental studies and prediction algorithms are not available or were not evaluated, and the functional significance of this variant is currently unknown. ClinVar contains an entry for this variant (Variation ID: 1470573). This variant is not present in population databases (gnomAD no frequency). This sequence change replaces proline with arginine at codon 844 of the COL18A1 protein (p.Pro844Arg). There is a moderate physicochemical difference between proline and arginine.